The following is an entry in ClinVar:

NM_001171155.2(PET100):c.28-2A>G

Genes: PET100 (PET100 cytochrome c oxidase chaperone; plus strand), STXBP2 (syntaxin binding protein 2; plus strand). Cytogenetic location: 19p13.2.
Variant type: single nucleotide variant.
Coding change: c.28-2A>G on transcript NM_001171155.2 (MANE Select); the canonical splice acceptor site of the intron before coding-DNA position 28, A replaced by G.
Molecular consequence: splice acceptor variant.
Genome position (GRCh38, 1-based): chr19:7,630,571, A>G. VCF-style: chr19-7630571-A-G. GRCh37 (hg19) VCF-style: chr19-7695457-A-G.
Other names: c.-170-2A>G (NM_001414484.1).
Identifiers: ClinVar variation 2788135 (VCV002788135.4), dbSNP rs2031257693, ClinGen allele CA403153540.

ClinVar aggregate classification (germline): Likely pathogenic. Review status: criteria provided, multiple submitters, no conflicts (2 of 4 stars). 2 submissions from 2 submitters: Likely pathogenic (2). Last evaluated 2024-01-08.

Conditions:
Mitochondrial complex IV deficiency, nuclear type 12. Also called: Mitochondrial complex 4 deficiency, nuclear type 12. Identifiers: MedGen C5436695, MONDO:0033646, OMIM 619055.

Submissions (2):

Fulgent Genetics
Classification: Likely pathogenic for Mitochondrial complex IV deficiency, nuclear type 12. Last evaluated: 2024-01-08. Review status: criteria provided, single submitter. Criteria: ACMG Guidelines, 2015. Collection method: clinical testing. Allele origin: germline.

Labcorp Genetics (formerly Invitae), Labcorp
Classification: Likely pathogenic. Last evaluated: 2023-10-22. Review status: criteria provided, single submitter. Criteria: Invitae Variant Classification Sherloc (09022015). Collection method: clinical testing. Allele origin: germline.
Comment: This sequence change affects an acceptor splice site in intron 1 of the PET100 gene. It is expected to disrupt RNA splicing. Variants that disrupt the donor or acceptor splice site typically lead to a loss of protein function (PMID: 16199547), and loss-of-function variants in PET100 are known to be pathogenic (PMID: 24462369, 25293719, 31406627). This variant is not present in population databases (gnomAD no frequency). This variant has not been reported in the literature in individuals affected with PET100-related conditions. Algorithms developed to predict the effect of sequence changes on RNA splicing suggest that this variant may disrupt the consensus splice site. In summary, the currently available evidence indicates that the variant is pathogenic, but additional data are needed to prove that conclusively. Therefore, this variant has been classified as Likely Pathogenic.

Literature cited by the submitters: PubMed 16199547 (cited by Labcorp Genetics (formerly Invitae), Labcorp); PubMed 24462369 (cited by Labcorp Genetics (formerly Invitae), Labcorp); PubMed 25293719 (cited by Labcorp Genetics (formerly Invitae), Labcorp); PubMed 31406627 (cited by Labcorp Genetics (formerly Invitae), Labcorp).